The following is an entry in ClinVar:

NM_003737.4(DCHS1):c.2443C>T (p.His815Tyr)

Gene: DCHS1 (dachsous cadherin-related 1; minus strand). Cytogenetic location: 11p15.4.
Variant type: single nucleotide variant.
Coding change: c.2443C>T on transcript NM_003737.4 (MANE Select); coding-DNA position 2443, C replaced by T.
Protein change: p.His815Tyr; replaces histidine 815 with tyrosine.
Molecular consequence: missense variant.
Genome position (GRCh38, 1-based): chr11:6,633,424, G>A on the plus strand (C>T on the coding strand, the complement: DCHS1 is on the minus strand). VCF-style: chr11-6633424-G-A. GRCh37 (hg19) VCF-style: chr11-6654655-G-A.
Other names: short protein forms H815Y.
Identifiers: ClinVar variation 2130882 (VCV002130882.4), dbSNP rs1457120814, ClinGen allele CA379421604.

ClinVar aggregate classification (germline): Uncertain significance (1 of 4 stars; one submission).

Allele frequency attached by ClinVar (database versions not stated): gnomAD exomes below 0.00001; TOPMed below 0.00001.
gnomAD v4.1: 7 of 1,556,686 alleles (0.00045%); highest among the groups gnomAD compares: Non-Finnish European, 0.00052%; no homozygotes.

Submission:

Labcorp Genetics (formerly Invitae), Labcorp
Classification: Uncertain significance. Last evaluated: 2025-11-19. Review status: criteria provided, single submitter. Criteria: Invitae Variant Classification Sherloc (09022015). Collection method: clinical testing. Allele origin: germline.
Comment: This sequence change replaces histidine, which is basic and polar, with tyrosine, which is neutral and polar, at codon 815 of the DCHS1 protein (p.His815Tyr). This variant is not present in population databases (gnomAD no frequency). This variant has not been reported in the literature in individuals affected with DCHS1-related conditions. ClinVar contains an entry for this variant (Variation ID: 2130882). Invitae Evidence Modeling of protein sequence and biophysical properties (such as structural, functional, and spatial information, amino acid conservation, physicochemical variation, residue mobility, and thermodynamic stability) indicates that this missense variant is not expected to disrupt DCHS1 protein function with a negative predictive value of 80%. In summary, the available evidence is currently insufficient to determine the role of this variant in disease. Therefore, it has been classified as a Variant of Uncertain Significance.